The following is an entry in ClinVar:

NM_001142854.2(SPATC1L):c.542A>G (p.Asn181Ser)

Gene: SPATC1L (spermatogenesis and centriole associated 1 like; minus strand). Cytogenetic location: 21q22.3.
Variant type: single nucleotide variant.
Coding change: c.542A>G on transcript NM_001142854.2 (MANE Select); coding-DNA position 542, A replaced by G.
Protein change: p.Asn181Ser; replaces asparagine 181 with serine.
Molecular consequence: missense variant.
Genome position (GRCh38, 1-based): chr21:46,168,310, T>C on the plus strand (A>G on the coding strand, the complement: SPATC1L is on the minus strand). VCF-style: chr21-46168310-T-C. GRCh37 (hg19) VCF-style: chr21-47588224-T-C.
Other names: c.80A>G, p.Asn27Ser (NM_032261.5); short protein forms N27S, N181S.
Identifiers: ClinVar variation 2544509 (VCV002544509.3), dbSNP rs369043715, ClinGen allele CA321978919.

ClinVar aggregate classification (germline): Uncertain significance (1 of 4 stars; one submission).

Allele frequency attached by ClinVar (database versions not stated): gnomAD 0.00001; gnomAD exomes 0.00001; ESP Exome Variant Server 0.00008; TOPMed 0.00003.
gnomAD v4.1: 19 of 1,572,562 alleles (0.0012%); highest among the groups gnomAD compares: Middle Eastern, 0.034%; no homozygotes.

Submission:

Ambry Genetics
Classification: Uncertain significance. Last evaluated: 2025-11-25. Review status: criteria provided, single submitter. Criteria: Ambry Variant Classification Scheme 2023. Collection method: clinical testing. Allele origin: germline.
Comment: The c.542A>G (p.N181S) alteration is located in exon 3 (coding exon 2) of the SPATC1L gene. This alteration results from a A to G substitution at nucleotide position 542, causing the asparagine (N) at amino acid position 181 to be replaced by a serine (S). Based on data from gnomAD, the G allele has an overall frequency of 0.002% (4/270972) total alleles studied. The highest observed frequency was 0.004% (1/24272) of African alleles. Based on insufficient or conflicting evidence, the clinical significance of this alteration remains unclear.